The following is an entry in ClinVar:

NM_003108.4(SOX11):c.423C>A (p.Ser141Arg)

Gene: SOX11 (SRY-box transcription factor 11; plus strand). Cytogenetic location: 2p25.2.
Variant type: single nucleotide variant.
Coding change: c.423C>A on transcript NM_003108.4 (MANE Select); coding-DNA position 423, C replaced by A.
Protein change: p.Ser141Arg; replaces serine 141 with arginine.
Molecular consequence: missense variant.
Genome position (GRCh38, 1-based): chr2:5,693,144, C>A. VCF-style: chr2-5693144-C-A. GRCh37 (hg19) VCF-style: chr2-5833276-C-A.
Other names: short protein forms S141R.
Identifiers: ClinVar variation 3799967 (VCV003799967.2).
Genomic context (GRCh38, chr2:5,693,144, plus strand): 5'-GAAAAAGCCCAAAATGGACCCCTCGGCCAAGCCCAGCGCCAGCCAGAGCCCAGAGAAGAG[C>A]GCGGCCGGCGGCGGCGGCGGGAGCGCGGGCGGAGGCGCGGGCGGTGCCAAGACCTCCAAG-3'
Protein context (NP_003099.1, residues 131-151): KPSASQSPEK[Ser141Arg]AAGGGGGSAG

ClinVar aggregate classification (germline): Uncertain significance. Review status: criteria provided, multiple submitters, no conflicts (2 of 4 stars). 2 submissions from 2 submitters: Uncertain significance (2). Last evaluated 2025-05-30.

Conditions:
Inborn genetic diseases. Identifiers: MedGen C0950123, MeSH D030342.

Submissions (2):

Labcorp Genetics (formerly Invitae), Labcorp
Classification: Uncertain significance. Last evaluated: 2025-05-30. Review status: criteria provided, single submitter. Criteria: Invitae Variant Classification Sherloc (09022015). Collection method: clinical testing. Allele origin: germline.
Comment: This sequence change replaces serine, which is neutral and polar, with arginine, which is basic and polar, at codon 141 of the SOX11 protein (p.Ser141Arg). This variant is not present in population databases (gnomAD no frequency). This variant has not been reported in the literature in individuals affected with SOX11-related conditions. ClinVar contains an entry for this variant (Variation ID: 3799967). Invitae Evidence Modeling of protein sequence and biophysical properties (such as structural, functional, and spatial information, amino acid conservation, physicochemical variation, residue mobility, and thermodynamic stability) indicates that this missense variant is not expected to disrupt SOX11 protein function with a negative predictive value of 95%. In summary, the available evidence is currently insufficient to determine the role of this variant in disease. Therefore, it has been classified as a Variant of Uncertain Significance.

Ambry Genetics
Classification: Uncertain significance for Inborn genetic diseases. Last evaluated: 2025-01-21. Review status: criteria provided, single submitter. Criteria: Ambry Variant Classification Scheme 2023. Collection method: clinical testing. Allele origin: germline.